The following is an entry in ClinVar:

NM_001040108.2(MLH3):c.285G>T (p.Glu95Asp)

Gene: MLH3 (mutL homolog 3; minus strand). Cytogenetic location: 14q24.3.
Variant type: single nucleotide variant.
Coding change: c.285G>T on transcript NM_001040108.2 (MANE Select); coding-DNA position 285, G replaced by T.
Protein change: p.Glu95Asp; replaces glutamic acid 95 with aspartic acid.
Molecular consequence: missense variant.
Genome position (GRCh38, 1-based): chr14:75,049,371, C>A on the plus strand (G>T on the coding strand, the complement: MLH3 is on the minus strand). VCF-style: chr14-75049371-C-A. GRCh37 (hg19) VCF-style: chr14-75516074-C-A.
Other names: c.285G>T, p.Glu95Asp (NM_014381.3); short protein forms E95D.
Identifiers: ClinVar variation 3295138 (VCV003295138.1).
Genomic context (GRCh38, chr14:75,049,371, plus strand): 5'-CCTGTTTTTCTTGGACGAAATTTCCACAGCACTGGCCATGTCAGCAATATTTGCCAAGGC[C>A]TCTCCTCGGAAACCATAAAACCTTGGATTCTCCAAGTCCTGTACCGAGTGGCATTTACTG-3'
Protein context (NP_001035197.1, residues 85-105): ENPRFYGFRG[Glu95Asp]ALANIADMAS

ClinVar aggregate classification (germline): Uncertain significance (1 of 4 stars; one submission).

Submission:

Ambry Genetics
Classification: Uncertain significance. Last evaluated: 2024-05-10. Review status: criteria provided, single submitter. Criteria: Ambry Variant Classification Scheme 2023. Collection method: clinical testing. Allele origin: germline.
Comment: The p.E95D variant (also known as c.285G>T), located in coding exon 1 of the MLH3 gene, results from a G to T substitution at nucleotide position 285. The glutamic acid at codon 95 is replaced by aspartic acid, an amino acid with highly similar properties. This amino acid position is conserved. In addition, this alteration is predicted to be deleterious by in silico analysis. Based on the available evidence, the clinical significance of this variant remains unclear.